The following is an entry in ClinVar:

NM_018489.3(ASH1L):c.7799G>A (p.Cys2600Tyr)

Gene: ASH1L (ASH1 like histone lysine methyltransferase; minus strand). Cytogenetic location: 1q22.
Variant type: single nucleotide variant.
Coding change: c.7799G>A on transcript NM_018489.3 (MANE Select); coding-DNA position 7799, G replaced by A.
Protein change: p.Cys2600Tyr; replaces cysteine 2600 with tyrosine.
Molecular consequence: missense variant.
Genome position (GRCh38, 1-based): chr1:155,347,660, C>T on the plus strand (G>A on the coding strand, the complement: ASH1L is on the minus strand). VCF-style: chr1-155347660-C-T. GRCh37 (hg19) VCF-style: chr1-155317451-C-T.
Other names: c.7814G>A, p.Cys2605Tyr (NM_001366177.2); short protein forms C2600Y, C2605Y.
Identifiers: ClinVar variation 5008208 (VCV005008208.1).
Genomic context (GRCh38, chr1:155,347,660, plus strand): 5'-AATATGGTCACCGTGTTCATCAGGACCAAGCTTCTGCTTCATTTCCTGACCCTCACCATG[C>T]ACTTGTCACACTGGATCATGAGACCTTCATCCTTGTAGAGGCCACAGATACAGCGAATAA-3'
Protein context (NP_060959.2, residues 2590-2610): DEGLMIQCDK[Cys2600Tyr]MVWQHCDCMG

ClinVar aggregate classification (germline): Uncertain significance (1 of 4 stars; one submission).

Submission:

GeneDx
Classification: Uncertain significance. Last evaluated: 2026-03-06. Review status: criteria provided, single submitter. Criteria: GeneDx Variant Classification Process June 2021. Collection method: clinical testing. Allele origin: germline.
Comment: Not observed at significant frequency in large population cohorts (gnomAD); In silico analysis supports that this missense variant has a deleterious effect on protein structure/function; Has not been previously published as pathogenic or benign to our knowledge